The following is an entry in ClinVar:

ClinVar aggregate classification (germline): Conflicting classifications of pathogenicity. Review status: criteria provided, conflicting classifications (1 of 4 stars). 5 submissions from 5 submitters: Pathogenic (1); Likely pathogenic (3); Uncertain significance (1). Last evaluated 2026-08-04.

Conditions:
Hypotonia with lactic acidemia and hyperammonemia. Identifiers: Orphanet 137908, MedGen C2673642, MONDO:0012718, OMIM 611719.
MRPS22-related disorders.
MRPS22-related disorder. Also called: MRPS22-related condition.

Allele frequency attached by ClinVar (database versions not stated): TOPMed 0.00004; gnomAD 0.00005 and 0.00007.

Submissions (5):

GeneDx
Classification: Likely pathogenic. Last evaluated: 2026-08-04. Review status: criteria provided, single submitter. Criteria: GeneDx Variant Classification Process June 2021. Collection method: clinical testing. Allele origin: germline.
Comment: Frameshift variant predicted to result in abnormal protein length as the last 15 amino acid(s) are replaced with 20 different amino acid(s), and other similar variants have been reported in HGMD; This variant is associated with the following publications: (PMID: 33917098, 34426522, 33314036, 25663021, 31683770, 36732629, Riera-EscamillaA2023[preprint])

PreventionGenetics, part of Exact Sciences
Classification: Likely pathogenic for MRPS22-related condition. Last evaluated: 2026-02-28. Review status: criteria provided, single submitter. Criteria: ACMG Guidelines, 2015. Collection method: clinical testing. Allele origin: germline.
Comment: The MRPS22 c.1032_1035dupAACA variant is predicted to result in a frameshift and premature protein termination (p.Leu346Asnfs*21). This variant is predicted to cause a frameshift and protein extension resulting in a replacement of the final 15 amino acids with 20 incorrect amino acids (p.Leu346Asnfs*21). This variant has been reported in the homozygous and compound heterozygous state in patients affected with MRPS22-related disease (Baertling et al 2015. PubMed ID: 25663021; Bravo-Alonso et al. 2019. PubMed ID: 31683770). This variant is reported in 0.024% of alleles in individuals of African descent in gnomAD. Frameshift variants in MRPS22 are expected to be pathogenic. This variant is interpreted as likely pathogenic.

Blueprint Genetics
Classification: Likely pathogenic for MRPS22-related disorders. Last evaluated: 2024-09-26. Review status: criteria provided, single submitter. Criteria: ACMG Guidelines, 2015. Collection method: clinical testing. Allele origin: germline. Affected: yes. Observed: 5 variant alleles.

Labcorp Genetics (formerly Invitae), Labcorp
Classification: Uncertain significance. Last evaluated: 2022-09-01. Review status: criteria provided, single submitter. Criteria: Invitae Variant Classification Sherloc (09022015). Collection method: clinical testing. Allele origin: germline.
Comment: This sequence change results in a frameshift in the MRPS22 gene (p.Leu346Asnfs*21). While this is not anticipated to result in nonsense mediated decay, it is expected to disrupt the last 15 amino acid(s) of the MRPS22 protein and extend the protein by 5 additional amino acid residues. This variant is present in population databases (rs772578397, gnomAD 0.02%). This frameshift has been observed in individuals with combined oxidative phosphorylation deficiency (PMID: 25663021, 31683770). ClinVar contains an entry for this variant (Variation ID: 631909). In summary, the available evidence is currently insufficient to determine the role of this variant in disease. Therefore, it has been classified as a Variant of Uncertain Significance.

Centre for Mendelian Genomics, University Medical Centre Ljubljana
Classification: Pathogenic for Hypotonia with lactic acidemia and hyperammonemia. Last evaluated: 2016-01-01. Review status: criteria provided, single submitter. Criteria: ACMG Guidelines, 2015. Collection method: clinical testing. Allele origin: unknown. Affected: yes.
Comment: This variant was classified as: Pathogenic. The following ACMG criteria were applied in classifying this variant: PVS1,PM2,PS1. This variant was detected in homozygous state.

Literature cited by the submitters: PubMed 25663021 (cited by Labcorp Genetics (formerly Invitae), Labcorp); PubMed 31683770 (cited by Labcorp Genetics (formerly Invitae), Labcorp).

NM_020191.4(MRPS22):c.1032_1035dup (p.Leu346fs)

Gene: MRPS22 (mitochondrial ribosomal protein S22; plus strand). Cytogenetic location: 3q23.
Variant type: Duplication.
Coding change: c.1032_1035dup on transcript NM_020191.4 (MANE Select); coding-DNA positions 1032 to 1035, 4 bases duplicated (AACA; older notation c.1032_1035dupAACA).
Protein change: p.Leu346fs; shifts the reading frame from leucine 346.
Molecular consequence: frameshift variant.
Genome position (GRCh38, 1-based): chr3:139,356,963-139,356,966, AACA duplicated. VCF-style (leftmost placement, unchanged base first): chr3-139356962-T-TAACA. GRCh37 (hg19) VCF-style: chr3-139075804-T-TAACA.
Other names: c.1032_1035dupAACA (NM_020191.2); c.1032_1035dup (NM_020191.2); c.909_912dup, p.Leu305fs (NM_001363857.1); c.1029_1032dup, p.Leu345fs (NM_001363893.1); short protein forms L346fs, L345fs, L305fs.
Identifiers: ClinVar variation 631909 (VCV000631909.16), dbSNP rs772578397, ClinGen allele CA2640914.